The following is an entry in ClinVar:

ClinVar aggregate classification (germline): Uncertain significance (1 of 4 stars; one submission).

Conditions:
Hereditary breast ovarian cancer syndrome. Also called: Hereditary breast and ovarian cancer syndrome (HBOC); Hereditary breast and ovarian cancer; Breast and ovarian cancer; Hereditary breast and/or ovarian cancer syndrome; BRCA1- and BRCA2-Associated Hereditary Breast and Ovarian Cancer; Hereditary breast and ovarian cancer syndrome. Identifiers: Orphanet 145, MedGen C0677776, MeSH D061325, MONDO:0003582. Disease mechanism: loss of function.

Submission:

Labcorp Genetics (formerly Invitae), Labcorp
Classification: Uncertain significance for Hereditary breast ovarian cancer syndrome. Last evaluated: 2025-02-18. Review status: criteria provided, single submitter. Criteria: Invitae Variant Classification Sherloc (09022015). Collection method: clinical testing. Allele origin: germline.
Comment: This sequence change replaces asparagine, which is neutral and polar, with lysine, which is basic and polar, at codon 633 of the BRCA2 protein (p.Asn633Lys). This variant is not present in population databases (gnomAD no frequency). This variant has not been reported in the literature in individuals affected with BRCA2-related conditions. Invitae Evidence Modeling of protein sequence and biophysical properties (such as structural, functional, and spatial information, amino acid conservation, physicochemical variation, residue mobility, and thermodynamic stability) indicates that this missense variant is not expected to disrupt BRCA2 protein function with a negative predictive value of 95%. In summary, the available evidence is currently insufficient to determine the role of this variant in disease. Therefore, it has been classified as a Variant of Uncertain Significance.

NM_000059.4(BRCA2):c.1899T>G (p.Asn633Lys)

Gene: BRCA2 (BRCA2 DNA repair associated; plus strand). Cytogenetic location: 13q13.1.
Variant type: single nucleotide variant.
Coding change: c.1899T>G on transcript NM_000059.4 (MANE Select); coding-DNA position 1899, T replaced by G.
Protein change: p.Asn633Lys; replaces asparagine 633 with lysine.
Molecular consequence: missense variant. On other transcripts: non-coding transcript variant (1), intron variant (1).
Genome position (GRCh38, 1-based): chr13:32,333,377, T>G. VCF-style: chr13-32333377-T-G. GRCh37 (hg19) VCF-style: chr13-32907514-T-G.
Other names: c.1899T>G, p.Asn633Lys (NM_001406719.1, NM_001406720.1, NM_001406721.1 and 1 more transcripts); c.424+2347T>G (NM_001406722.1); short protein forms N633K.
Identifiers: ClinVar variation 4802279 (VCV004802279.1).